The following is an entry in ClinVar:

NM_006092.4(NOD1):c.1881C>T (p.Ser627=)

Gene: NOD1 (nucleotide binding oligomerization domain containing 1; minus strand). Cytogenetic location: 7p14.3.
Variant type: single nucleotide variant.
Coding change: c.1881C>T on transcript NM_006092.4 (MANE Select); coding-DNA position 1881, C replaced by T.
Protein change: p.Ser627=; no amino-acid change (serine 627 retained).
Molecular consequence: synonymous variant. On other transcripts: non-coding transcript variant (1).
Genome position (GRCh38, 1-based): chr7:30,451,536, G>A on the plus strand (C>T on the coding strand, the complement: NOD1 is on the minus strand). VCF-style: chr7-30451536-G-A. GRCh37 (hg19) VCF-style: chr7-30491152-G-A.
Other names: c.1881C>T, p.Ser627= (NM_001354849.2).
Identifiers: ClinVar variation 2657369 (VCV002657369.24), dbSNP rs2534619353, ClinGen allele CA454517872.
Genomic context (GRCh38, chr7:30,451,536, plus strand): 5'-CTGCACCTGGTTGAAGCTTTCGACCTGAACGCGGGGCAGGCTCTTCAGGTAGCCCCGCAG[G>A]CTGGAAAACAGGTGTGCCCACAGGGCCTTGCGCTTTCTCCTCAGGGCTGCCGCGGGCACC-3'
Protein context (NP_006083.1, residues 617-637): RKALWAHLFS[Ser627=]LRGYLKSLPR

ClinVar aggregate classification (germline): Likely benign (1 of 4 stars; one submission).

Submission:

CeGaT Center for Human Genetics Tuebingen
Classification: Likely benign. Last evaluated: 2022-12-01. Review status: criteria provided, single submitter. Criteria: CeGaT Center For Human Genetics Tuebingen Variant Classification Criteria Version 2. Collection method: clinical testing. Allele origin: germline. Affected: yes. Observed: 1 variant allele.
Comment: NOD1: PM2:Supporting, BP4, BP7